The following is an entry in ClinVar:

NM_000051.4(ATM):c.8211A>T (p.Thr2737=)

Genes: ATM (ATM serine/threonine kinase; plus strand), C11orf65 (chromosome 11 open reading frame 65; minus strand). Cytogenetic location: 11q22.3.
Variant type: single nucleotide variant.
Coding change: c.8211A>T on transcript NM_000051.4 (MANE Select); coding-DNA position 8211, A replaced by T.
Protein change: p.Thr2737=; no amino-acid change (threonine 2737 retained).
Molecular consequence: synonymous variant. On other transcripts: intron variant (2).
Genome position (GRCh38, 1-based): chr11:108,335,904, A>T. VCF-style: chr11-108335904-A-T. GRCh37 (hg19) VCF-style: chr11-108206631-A-T.
Other names: c.8211A>T, p.Thr2737= (NM_001351834.2); c.641-26833T>A (NM_001330368.2); c.695-612T>A (NM_001351110.2).
Identifiers: ClinVar variation 234233 (VCV000234233.23), dbSNP rs876660946, ClinGen allele CA10579288.

ClinVar aggregate classification (germline): Conflicting classifications of pathogenicity. Review status: criteria provided, conflicting classifications (1 of 4 stars). 8 submissions from 8 submitters: Uncertain significance (1); Benign (1); Likely benign (6). Last evaluated 2025-03-15.

Conditions:
Hereditary cancer-predisposing syndrome. Also called: Neoplastic Syndromes, Hereditary; Hereditary neoplastic syndrome; Tumor predisposition; Hereditary Cancer Syndrome. Identifiers: Orphanet 140162, MedGen C0027672, MeSH D009386, MONDO:0015356.
Familial cancer of breast. Also called: hereditary breast carcinoma; Hereditary breast cancer; BREAST CANCER, FAMILIAL. Identifiers: Orphanet 227535, MedGen C0346153, MONDO:0016419, OMIM 114480. Disease mechanism: loss of function.
Ataxia-telangiectasia syndrome (AT). Also called: Ataxia telangiectasia (A-T); Cerebello-oculocutaneous telangiectasia; Immunodeficiency with ataxia telangiectasia; LOUIS-BAR SYNDROME; AT, COMPLEMENTATION GROUP C; ATAXIA-TELANGIECTASIA, FRESNO VARIANT. Identifiers: Orphanet 100, MedGen C0004135, MONDO:0008840, OMIM 208900.

gnomAD v4.1: 2 of 1,614,078 alleles (0.00012%); highest among the groups gnomAD compares: Non-Finnish European, 0.00017%; no homozygotes.

Submissions (8):

Labcorp Genetics (formerly Invitae), Labcorp
Classification: Likely benign for Ataxia-telangiectasia syndrome. Last evaluated: 2025-03-15. Review status: criteria provided, single submitter. Criteria: Invitae Variant Classification Sherloc (09022015). Collection method: clinical testing. Allele origin: germline.

Center for Genomic Medicine, Rigshospitalet, Copenhagen University Hospital
Classification: Likely benign. Last evaluated: 2025-03-04. Review status: criteria provided, single submitter. Criteria: ACMG Guidelines, 2015. Collection method: clinical testing. Allele origin: germline.

Laboratory of Genetics, Children's Clinical University Hospital Latvia
Classification: Likely benign. Last evaluated: 2025-02-16. Review status: criteria provided, single submitter. Criteria: ACMG Guidelines, 2015. Collection method: clinical testing. Allele origin: germline. Affected: yes.

Myriad Genetics, Inc.
Classification: Benign for Familial cancer of breast. Last evaluated: 2024-06-18. Review status: criteria provided, single submitter. Criteria: Myriad Autosomal Dominant, Autosomal Recessive and X-Linked Classification Criteria (2023). Collection method: clinical testing. Allele origin: unknown.
Comment: This variant is considered benign. This variant is a silent/synonymous amino acid change and it is not expected to impact splicing.

Women's Health and Genetics/Laboratory Corporation of America, LabCorp
Classification: Likely benign. Last evaluated: 2024-03-04. Review status: criteria provided, single submitter. Criteria: LabCorp Variant Classification Summary - May 2015. Collection method: clinical testing. Allele origin: germline.

Sema4
Classification: Uncertain significance for Hereditary cancer-predisposing syndrome. Last evaluated: 2021-09-15. Review status: criteria provided, single submitter. Criteria: Sema4 Curation Guidelines. Collection method: curation. Allele origin: germline.
Comment: The ATM c.8211A>T (p.T2737=) variant has not been reported in literature to our knowledge. It was not observed in the large and broad cohorts of the Genome Aggregation Database (PMID: 32461654). This variant has been reported in ClinVar (Variation ID 234233). In silico tools that predict the effect of sequence changes on splicing suggest that this variant may impact splicing though these predictions have not been confirmed by functional studies. The overall evidence is insufficient to meet ACMG/AMP criteria for classifying it as benign or pathogenic. In summary, the clinical significance of this variant is currently uncertain.

Color Diagnostics, LLC DBA Color Health
Classification: Likely benign for Hereditary cancer-predisposing syndrome. Last evaluated: 2019-10-31. Review status: criteria provided, single submitter. Criteria: ACMG Guidelines, 2015. Collection method: clinical testing. Allele origin: germline.

Ambry Genetics
Classification: Likely benign for Hereditary cancer-predisposing syndrome. Last evaluated: 2015-10-12. Review status: criteria provided, single submitter. Criteria: Ambry Variant Classification Scheme 2023. Collection method: clinical testing. Allele origin: germline.